The following is an entry in ClinVar:

NM_138459.5(NUS1):c.415+2_415+3insCGTAGGT

Gene: NUS1 (NUS1 dehydrodolichyl diphosphate synthase subunit; plus strand). Cytogenetic location: 6q22.1.
Variant type: Insertion.
Coding change: c.415+2_415+3insCGTAGGT on transcript NM_138459.5 (MANE Select); the canonical splice donor site of the intron after coding-DNA position 415 through 3 bases into the intron after coding-DNA position 415, CGTAGGT inserted.
Molecular consequence: splice donor variant.
Genome position: GRCh38 VCF-style: chr6-117676083-A-AAGGTCGT. GRCh37 (hg19) VCF-style: chr6-117997246-A-AAGGTCGT.
Identifiers: ClinVar variation 3236086 (VCV003236086.1), dbSNP rs2481983991, ClinGen allele CA2825001453.

ClinVar aggregate classification (germline): Likely pathogenic (1 of 4 stars; one submission).

Conditions:
Intellectual developmental disorder, autosomal dominant 55, with seizures. Also called: MENTAL RETARDATION, AUTOSOMAL DOMINANT 55, WITH SEIZURES; Intellectual disability, autosomal dominant 55, with seizures. Identifiers: MedGen C4693371, MONDO:0030921, OMIM 617831.

Submission:

MVZ Medizinische Genetik Mainz
Classification: Likely pathogenic for Intellectual developmental disorder, autosomal dominant 55, with seizures. Last evaluated: 2023-08-30. Review status: criteria provided, single submitter. Criteria: UK Practice Guidelines For Variant Classification V4 01 2020. Collection method: clinical testing. Allele origin: germline. Inheritance: Autosomal dominant inheritance. Affected: yes. Observed: 1 variant allele.
Comment: ACMG Criteria: PVS1_STR,PS2,PM2_SUP